The following is an entry in ClinVar:

NM_001356.5(DDX3X):c.864+1delinsTTC

Gene: DDX3X (DEAD-box helicase 3 X-linked; plus strand). Cytogenetic location: Xp11.4.
Variant type: Indel.
Coding change: c.864+1delinsTTC on transcript NM_001356.5 (MANE Select); the canonical splice donor site of the intron after coding-DNA position 864, G replaced by TTC.
Molecular consequence: splice donor variant.
Genome position (GRCh38, 1-based): chrX:41,344,129, G replaced by TTC. VCF-style: chrX-41344129-G-TTC. GRCh37 (hg19) VCF-style: chrX-41203382-G-TTC.
Other names: c.864+1delinsTTC (NM_001193416.3); c.816+1delinsTTC (NM_001193417.3); c.306+1delinsTTC (NM_001363819.1).
Identifiers: ClinVar variation 429312 (VCV000429312.2), dbSNP rs1131691314, ClinGen allele CA645369805.

ClinVar aggregate classification (germline): Pathogenic (1 of 4 stars; one submission).

Submission:

GeneDx
Classification: Pathogenic. Last evaluated: 2017-05-04. Review status: criteria provided, single submitter. Criteria: GeneDx Variant Classification (06012015). Collection method: clinical testing. Allele origin: germline. Affected: yes.
Comment: The c.864+1delGinsTTC variant in the DDX3X gene has not been reported previously as a pathogenic variant nor as a benign variant, to our knowledge. This splice site variant destroys the canonical splice donor site in intron 9. It is predicted to cause abnormal gene splicing, either leading to an abnormal message that is subject to nonsense-mediated mRNA decay, or to an abnormal protein product if the message is used for protein translation. The c.864+1delGinsTTC variant is not observed in large population cohorts (Lek et al., 2016; 1000 Genomes Consortium et al., 2015; Exome Variant Server). We interpret c.864+1delGinsTTC as a pathogenic variant.